The following is an entry in ClinVar:

NM_007214.5(SEC63):c.1824_1825insTC (p.Asp609fs)

Gene: SEC63 (SEC63 homolog, protein translocation regulator; minus strand). Cytogenetic location: 6q21.
Variant type: Insertion.
Coding change: c.1824_1825insTC on transcript NM_007214.5 (MANE Select); coding-DNA positions 1824 to 1825, TC inserted.
Protein change: p.Asp609fs; shifts the reading frame from aspartic acid 609.
Molecular consequence: frameshift variant.
Genome position: GRCh38 VCF-style: chr6-107882996-C-CGA. GRCh37 (hg19) VCF-style: chr6-108204200-C-CGA.
Other names: short protein forms D609fs.
Identifiers: ClinVar variation 3061377 (VCV003061377.2), dbSNP rs2481999708, ClinGen allele CA2740091461.

ClinVar aggregate classification (germline): Likely pathogenic (0 of 4 stars; one submission).

Conditions:
SEC63-related disorder. Also called: SEC63-related condition.

Submission:

PreventionGenetics, part of Exact Sciences
Classification: Likely pathogenic for SEC63-related condition. Last evaluated: 2024-02-06. Review status: no assertion criteria provided. Collection method: clinical testing. Allele origin: germline.
Comment: The SEC63 c.1824_1825insTC variant is predicted to result in a frameshift and premature protein termination (p.Asp609Serfs*27). To our knowledge, this variant has not been reported in the literature or in a large population database, indicating this variant is rare. Frameshift variants in SEC63 are expected to be pathogenic. This variant is interpreted as likely pathogenic.